The following is an entry in ClinVar:

NM_006734.4(HIVEP2):c.194G>T (p.Gly65Val)

Gene: HIVEP2 (HIVEP zinc finger 2; minus strand). Cytogenetic location: 6q24.2.
Variant type: single nucleotide variant.
Coding change: c.194G>T on transcript NM_006734.4 (MANE Select); coding-DNA position 194, G replaced by T.
Protein change: p.Gly65Val; replaces glycine 65 with valine.
Molecular consequence: missense variant.
Genome position (GRCh38, 1-based): chr6:142,774,545, C>A on the plus strand (G>T on the coding strand, the complement: HIVEP2 is on the minus strand). VCF-style: chr6-142774545-C-A. GRCh37 (hg19) VCF-style: chr6-143095682-C-A.
Other names: short protein forms G65V.
Identifiers: ClinVar variation 711471 (VCV000711471.37), dbSNP rs61729347, ClinGen allele CA4028786.

ClinVar aggregate classification (germline): Benign/Likely benign. Review status: criteria provided, multiple submitters, no conflicts (2 of 4 stars). 5 submissions from 5 submitters: Benign (1); Likely benign (3). 1 of the submissions does not count toward it. Last evaluated 2026-07-01.

Conditions:
HIVEP2-related disorder. Also called: HIVEP2-related condition.

Allele frequency attached by ClinVar (database versions not stated): 1000 Genomes Project 0.00100; 1000 Genomes Project 30x 0.00125; ExAC 0.00211; gnomAD exomes 0.00226 and 0.00408; gnomAD 0.00229 and 0.00232; TOPMed 0.00232; ESP Exome Variant Server 0.00236.
gnomAD v4.1: 6,212 of 1,614,190 alleles (0.38%); highest among the groups gnomAD compares: Non-Finnish European, 0.5%; 26 homozygotes.

Submissions (5):

CeGaT Center for Human Genetics Tuebingen
Classification: Benign. Last evaluated: 2026-07-01. Review status: criteria provided, single submitter. Criteria: CeGaT Center For Human Genetics Tuebingen Variant Classification Criteria Version 2. Collection method: clinical testing. Allele origin: germline. Affected: yes. Observed: 12 variant alleles.
Comment: HIVEP2: BP4, BS1, BS2

Labcorp Genetics (formerly Invitae), Labcorp
Classification: Likely benign. Last evaluated: 2026-01-16. Review status: criteria provided, single submitter. Criteria: Invitae Variant Classification Sherloc (09022015). Collection method: clinical testing. Allele origin: germline.

Blueprint Genetics
Classification: Likely benign. Last evaluated: 2024-11-12. Review status: criteria provided, single submitter. Criteria: ACMG Guidelines, 2015. Collection method: clinical testing. Allele origin: germline.

Laboratorio de Genetica e Diagnostico Molecular, Hospital Israelita Albert Einstein
Classification: Likely benign. Last evaluated: 2020-01-02. Review status: criteria provided, single submitter. Criteria: ACMG Guidelines, 2015. Collection method: clinical testing. Allele origin: germline. Affected: yes.
Comment: ACMG classification criteria: PM2, BP1, BP4

PreventionGenetics, part of Exact Sciences
Classification: Benign for HIVEP2-related condition. Last evaluated: 2020-02-13. Review status: no assertion criteria provided. Collection method: clinical testing. Allele origin: germline. Not counted in ClinVar's aggregate classification.
Comment: This variant is classified as benign based on ACMG/AMP sequence variant interpretation guidelines (Richards et al. 2015 PMID: 25741868, with internal and published modifications).